The following is an entry in ClinVar:

NM_017849.4(TMEM127):c.332del (p.Phe111fs)

Gene: TMEM127 (transmembrane protein 127; minus strand). Cytogenetic location: 2q11.2.
Variant type: Deletion.
Coding change: c.332del on transcript NM_017849.4 (MANE Select); coding-DNA position 332, one base deleted (T; older notation c.332delT).
Protein change: p.Phe111fs; shifts the reading frame from phenylalanine 111.
Molecular consequence: frameshift variant.
Genome position (GRCh38, 1-based): chr2:96,254,910, A deleted on the plus strand (T on the coding strand, the reverse complement: TMEM127 is on the minus strand); the first of 3 consecutive A bases (chr2:96,254,910-96,254,912); deleting any one gives the same sequence. VCF-style (leftmost placement, unchanged base first): chr2-96254909-GA-G. GRCh37 (hg19) VCF-style: chr2-96920647-GA-G.
Other names: c.332del, p.Phe111fs (NM_001193304.3); c.80del, p.Phe27fs (NM_001407282.1, NM_001407283.1); short protein forms F111fs, F27fs.
Identifiers: ClinVar variation 2809154 (VCV002809154.3), dbSNP rs2467266381, ClinGen allele CA2739271175.

ClinVar aggregate classification (germline): Pathogenic (1 of 4 stars; one submission).

Conditions:
Hereditary pheochromocytoma and paraganglioma. Also called: Hereditary Paraganglioma-Pheochromocytoma Syndromes; Hereditary pheochromocytoma-paraganglioma; Hereditary paragangliomas and pheochromocytomas. Identifiers: Orphanet 29072, MedGen C4274332, MONDO:0017366.

Submission:

Labcorp Genetics (formerly Invitae), Labcorp
Classification: Pathogenic for Hereditary pheochromocytoma and paraganglioma. Last evaluated: 2023-03-28. Review status: criteria provided, single submitter. Criteria: Invitae Variant Classification Sherloc (09022015). Collection method: clinical testing. Allele origin: germline.
Comment: This variant disrupts a region of the TMEM127 protein in which other variant(s) (p.Tyr178Leufs*48) have been determined to be pathogenic (Invitae). This suggests that this is a clinically significant region of the protein, and that variants that disrupt it are likely to be disease-causing. This variant has not been reported in the literature in individuals affected with TMEM127-related conditions. This variant is not present in population databases (gnomAD no frequency). This sequence change creates a premature translational stop signal (p.Phe111Serfs*13) in the TMEM127 gene. While this is not anticipated to result in nonsense mediated decay, it is expected to disrupt the last 128 amino acid(s) of the TMEM127 protein. For these reasons, this variant has been classified as Pathogenic.